The following is an entry in ClinVar:

NM_000284.4(PDHA1):c.*707G>A

Genes: PDHA1 (pyruvate dehydrogenase E1 subunit alpha 1; plus strand), MAP3K15 (mitogen-activated protein kinase kinase kinase 15; minus strand). Cytogenetic location: Xp22.12.
Variant type: single nucleotide variant.
Coding change: c.*707G>A on transcript NM_000284.4 (MANE Select); 707 bases downstream of the stop codon, G replaced by A.
Molecular consequence: 3 prime UTR variant.
Genome position (GRCh38, 1-based): chrX:19,360,360, G>A. VCF-style: chrX-19360360-G-A. GRCh37 (hg19) VCF-style: chrX-19378478-G-A.
Other names: c.*389C>T (NM_001001671.4); c.*707G>A (NM_001173454.2, NM_001173455.2, NM_001173456.2).
Identifiers: ClinVar variation 914461 (VCV000914461.4), dbSNP rs150945967, ClinGen allele CA327032151.

ClinVar aggregate classification (germline): Benign (1 of 4 stars; one submission).

Conditions:
Pyruvate dehydrogenase E1-alpha deficiency (PDHAD). Also called: ATAXIA, INTERMITTENT, WITH PYRUVATE DEHYDROGENASE DEFICIENCY; ATAXIA WITH LACTIC ACIDOSIS I; ATAXIA, INTERMITTENT, WITH ABNORMAL PYRUVATE METABOLISM; Ataxia, intermittent, with pyruvate dehydrogenase, or decarboxylase, deficiency. Identifiers: Orphanet 79243, MedGen C1839413, MONDO:0010717, OMIM 312170.

Allele frequency attached by ClinVar (database versions not stated): gnomAD 0.00012 and 0.00023; gnomAD exomes 0.00017; TOPMed 0.00029; 1000 Genomes Project 30x 0.00146; 1000 Genomes Project 0.00159.
gnomAD v4.1: 32 of 156,963 alleles (0.02%); highest among the groups gnomAD compares: East Asian, 0.64%; no homozygotes.

Submission:

Illumina Laboratory Services, Illumina
Classification: Benign for Pyruvate dehydrogenase E1-alpha deficiency. Last evaluated: 2018-01-12. Review status: criteria provided, single submitter. Criteria: ICSL Variant Classification Criteria 13 December 2019. Collection method: clinical testing. Allele origin: germline.
Comment: This variant was observed in the ICSL laboratory as part of a predisposition screen in an ostensibly healthy population. It had not been previously curated by ICSL or reported in the Human Gene Mutation Database (HGMD: prior to June 1st, 2018), and was therefore a candidate for classification through an automated scoring system. Utilizing variant allele frequency, disease prevalence and penetrance estimates, and inheritance mode, an automated score was calculated to assess if this variant is too frequent to cause the disease. Based on the score and internal cut-off values, a variant classified as benign is not then subjected to further curation. The score for this variant resulted in a classification of benign for this disease.